The following is an entry in ClinVar:

NM_012470.4(TNPO3):c.161G>A (p.Arg54Gln)

Gene: TNPO3 (transportin 3; minus strand). Cytogenetic location: 7q32.1.
Variant type: single nucleotide variant.
Coding change: c.161G>A on transcript NM_012470.4 (MANE Select); coding-DNA position 161, G replaced by A.
Protein change: p.Arg54Gln; replaces arginine 54 with glutamine.
Molecular consequence: missense variant. On other transcripts: non-coding transcript variant (18).
Genome position (GRCh38, 1-based): chr7:129,018,117, C>T on the plus strand (G>A on the coding strand, the complement: TNPO3 is on the minus strand). VCF-style: chr7-129018117-C-T. GRCh37 (hg19) VCF-style: chr7-128658171-C-T.
Other names: c.161G>A, p.Arg54Gln (NM_001191028.3, NM_001382216.1, NM_001382217.1 and 6 more transcripts); short protein forms R54Q.
Identifiers: ClinVar variation 2059252 (VCV002059252.4), dbSNP rs753003231, ClinGen allele CA4478440.

ClinVar aggregate classification (germline): Uncertain significance (1 of 4 stars; one submission).

Conditions:
Autosomal dominant limb-girdle muscular dystrophy type 1F (LGMDD2). Also called: Limb-girdle muscular dystrophy, type 1F; MUSCULAR DYSTROPHY, LIMB-GIRDLE, AUTOSOMAL DOMINANT 2. Identifiers: Orphanet 55595, MedGen C1842062, MONDO:0012034, OMIM 608423.

Allele frequency attached by ClinVar (database versions not stated): gnomAD exomes 0.00001; ExAC 0.00002.
gnomAD v4.1: 8 of 1,614,150 alleles (0.0005%); highest among the groups gnomAD compares: East Asian, 0.0045%; no homozygotes.

Submission:

Labcorp Genetics (formerly Invitae), Labcorp
Classification: Uncertain significance for Autosomal dominant limb-girdle muscular dystrophy type 1F. Last evaluated: 2022-10-03. Review status: criteria provided, single submitter. Criteria: Invitae Variant Classification Sherloc (09022015). Collection method: clinical testing. Allele origin: germline.
Comment: This variant is present in population databases (rs753003231, gnomAD 0.006%). This sequence change replaces arginine, which is basic and polar, with glutamine, which is neutral and polar, at codon 54 of the TNPO3 protein (p.Arg54Gln). This variant has not been reported in the literature in individuals affected with TNPO3-related conditions. Advanced modeling of protein sequence and biophysical properties (such as structural, functional, and spatial information, amino acid conservation, physicochemical variation, residue mobility, and thermodynamic stability) performed at Invitae indicates that this missense variant is not expected to disrupt TNPO3 protein function. In summary, the available evidence is currently insufficient to determine the role of this variant in disease. Therefore, it has been classified as a Variant of Uncertain Significance.